The following is an entry in ClinVar:

ClinVar aggregate classification (germline): Uncertain significance (1 of 4 stars; one submission).

Submission:

Women's Health and Genetics/Laboratory Corporation of America, LabCorp
Classification: Uncertain significance. Last evaluated: 2023-06-13. Review status: criteria provided, single submitter. Criteria: LabCorp Variant Classification Summary - May 2015. Collection method: clinical testing. Allele origin: germline.
Comment: Variant summary: CACNA1D c.1641G>A (p.Trp547X) results in a premature termination codon, predicted to cause a truncation of the encoded protein or absence of the protein due to nonsense mediated decay, however the molecular mechanism of disease attributed to CACNA1D is gain-of-function. The variant was absent in 249956 control chromosomes (gnomAD). The available data on variant occurrences in the general population are insufficient to allow any conclusion about variant significance. To our knowledge, no occurrence of c.1641G>A in individuals affected with Sinoatrial Node Dysfunction And Deafness or other CACNA1D-related disorders and no experimental evidence demonstrating its impact on protein function have been reported. No clinical diagnostic laboratories have submitted clinical-significance assessments for this variant to ClinVar after 2014. Based on the evidence outlined above, the variant was classified as uncertain significance.

NM_001128840.3(CACNA1D):c.1581G>A (p.Trp527Ter)

Gene: CACNA1D (calcium voltage-gated channel subunit alpha1 D; plus strand). Cytogenetic location: 3p21.1.
Variant type: single nucleotide variant.
Coding change: c.1581G>A on transcript NM_001128840.3 (MANE Select); coding-DNA position 1581, G replaced by A.
Protein change: p.Trp527Ter; replaces tryptophan 527 with a stop codon.
Molecular consequence: nonsense.
Genome position (GRCh38, 1-based): chr3:53,722,389, G>A. VCF-style: chr3-53722389-G-A. GRCh37 (hg19) VCF-style: chr3-53756416-G-A.
Other names: c.1641G>A, p.Trp547Ter (NM_000720.4); c.1581G>A, p.Trp527Ter (NM_001128839.3); short protein forms W527*, W547*.
Identifiers: ClinVar variation 2573445 (VCV002573445.1), dbSNP rs2473681804, ClinGen allele CA353236466.